The following is an entry in ClinVar:

ClinVar aggregate classification (germline): Likely benign. Review status: criteria provided, multiple submitters, no conflicts (2 of 4 stars). 5 submissions from 5 submitters: Likely benign (5). Last evaluated 2024-11-15.

Conditions:
RYR1-related disorder. Also called: RYR1-related disorders; RYR1-related condition. Identifiers: MedGen CN239331.
Malignant hyperthermia, susceptibility to, 1 (MHS1). Also called: Anesthesia related hyperthermia; Malignant hyperpyrexia; Fulminating hyperpyrexia; Pharmacogenic myopathy; RYR1-Related Malignant Hyperthermia Susceptibility; Malignant hyperthermia suceptibility 1. Identifiers: Orphanet 423, MedGen C2930980, MONDO:0007783, OMIM 145600.

Allele frequency attached by ClinVar (database versions not stated): gnomAD exomes below 0.00001; TOPMed below 0.00001; gnomAD 0.00001.
gnomAD v4.1: 5 of 1,613,628 alleles (0.00031%); highest among the groups gnomAD compares: Non-Finnish European, 0.00042%; no homozygotes.

Submissions (5):

Labcorp Genetics (formerly Invitae), Labcorp
Classification: Likely benign for RYR1-related disorder. Last evaluated: 2024-11-15. Review status: criteria provided, single submitter. Criteria: Invitae Variant Classification Sherloc (09022015). Collection method: clinical testing. Allele origin: germline.

Blueprint Genetics
Classification: Likely benign. Last evaluated: 2024-09-03. Review status: criteria provided, single submitter. Criteria: ACMG Guidelines, 2015. Collection method: clinical testing. Allele origin: germline.

All of Us Research Program, National Institutes of Health
Classification: Likely benign for Malignant hyperthermia, susceptibility to, 1. Last evaluated: 2023-12-01. Review status: criteria provided, single submitter. Criteria: ACMG Guidelines, 2015. Collection method: clinical testing. Allele origin: germline. Inheritance: Autosomal dominant inheritance. Observed: 5 variant alleles, 5 heterozygotes.
Comment: This study involves interpretation of variants in research participants for the purpose of population health screening. Participant phenotype was not available at the time of variant classification. Additional details can be found in publication PMID: 35346344, PMCID: PMC8962531

CeGaT Center for Human Genetics Tuebingen
Classification: Likely benign. Last evaluated: 2023-01-01. Review status: criteria provided, single submitter. Criteria: CeGaT Center For Human Genetics Tuebingen Variant Classification Criteria Version 2. Collection method: clinical testing. Allele origin: germline. Affected: yes. Observed: 1 variant allele.
Comment: RYR1: BP4, BP7

Color Diagnostics, LLC DBA Color Health
Classification: Likely benign for Malignant hyperthermia, susceptibility to, 1. Last evaluated: 2022-11-06. Review status: criteria provided, single submitter. Criteria: ACMG Guidelines, 2015. Collection method: clinical testing. Allele origin: germline.

NM_000540.3(RYR1):c.13740T>C (p.Phe4580=)

Gene: RYR1 (ryanodine receptor 1; plus strand). Cytogenetic location: 19q13.2.
Variant type: single nucleotide variant.
Coding change: c.13740T>C on transcript NM_000540.3 (MANE Select); coding-DNA position 13740, T replaced by C.
Protein change: p.Phe4580=; no amino-acid change (phenylalanine 4580 retained).
Molecular consequence: synonymous variant.
Genome position (GRCh38, 1-based): chr19:38,570,687, T>C. VCF-style: chr19-38570687-T-C. GRCh37 (hg19) VCF-style: chr19-39061327-T-C.
Other names: c.13725T>C, p.Phe4575= (NM_001042723.2).
Identifiers: ClinVar variation 699456 (VCV000699456.35), dbSNP rs1396114452, ClinGen allele CA507245024.